The following is an entry in ClinVar:

NM_000214.3(JAG1):c.3329A>C (p.Asn1110Thr)

Gene: JAG1 (jagged canonical Notch ligand 1; minus strand). Cytogenetic location: 20p12.2.
Variant type: single nucleotide variant.
Coding change: c.3329A>C on transcript NM_000214.3 (MANE Select); coding-DNA position 3329, A replaced by C.
Protein change: p.Asn1110Thr; replaces asparagine 1110 with threonine.
Molecular consequence: missense variant.
Genome position (GRCh38, 1-based): chr20:10,639,826, T>G on the plus strand (A>C on the coding strand, the complement: JAG1 is on the minus strand). VCF-style: chr20-10639826-T-G. GRCh37 (hg19) VCF-style: chr20-10620474-T-G.
Other names: c.3329A>C, p.Asn1110Thr (LRG_1191t1); short protein forms N1110T.
Identifiers: ClinVar variation 287496 (VCV000287496.30), dbSNP rs150811951, ClinGen allele CA9764224.
Genomic context (GRCh38, chr20:10,639,826, plus strand): 5'-CCATGTTTCTCAATGGGGTTTTTGATCTGGTTCAGCTGCTCCCGCACGTTGTTGGTGGTG[T>G]TGTCCTCAGAGGCTGAGTGTGTGTGGCTGCCCGGCTTCCGCCGCTTCCGCAGGCACCAGT-3'
Protein context (NP_000205.1, residues 1100-1120): GSHTHSASED[Asn1110Thr]TTNNVREQLN

ClinVar aggregate classification (germline): Conflicting classifications of pathogenicity. Review status: criteria provided, conflicting classifications (1 of 4 stars). 8 submissions from 8 submitters: Uncertain significance (4); Benign (1); Likely benign (3). Last evaluated 2026-03-31.

Conditions:
Isolated Nonsyndromic Congenital Heart Disease.
JAG1-related disorder. Also called: JAG1-related condition; JAG1-related disorders.
Cardiovascular phenotype. Identifiers: MedGen CN230736.
Alagille syndrome due to a JAG1 point mutation. Also called: JAG1-Related Alagille Syndrome; Alagille Syndrome 1; HEPATIC DUCTULAR HYPOPLASIA, SYNDROMATIC. Identifiers: Orphanet 261619, Orphanet 52, MedGen C1956125, MONDO:0016862, OMIM 118450.

Allele frequency attached by ClinVar (database versions not stated): gnomAD 0.00011; TOPMed 0.00012; ESP Exome Variant Server 0.00015.
gnomAD v4.1: 188 of 1,614,090 alleles (0.012%); highest among the groups gnomAD compares: African/African-American, 0.021%; no homozygotes.

Submissions (8):

PreventionGenetics, part of Exact Sciences
Classification: Uncertain significance for JAG1-related condition. Last evaluated: 2026-03-31. Review status: criteria provided, single submitter. Criteria: ACMG Guidelines, 2015. Collection method: clinical testing. Allele origin: germline.
Comment: The JAG1 c.3329A>C variant is predicted to result in the amino acid substitution p.Asn1110Thr. This variant was reported in a study of neonates with congenital hypothyroidism (Supplemental Table 2, Zhang et al. 2022. PubMed ID: 34374102). To our knowledge, this variant has not been reported in the literature. This variant is reported in 0.039% of alleles in individuals of Ashkenazi Jewish descent in gnomAD, which may be too common to be causative. At this time, the clinical significance of this variant is uncertain due to the absence of conclusive functional and genetic evidence.

Labcorp Genetics (formerly Invitae), Labcorp
Classification: Likely benign for Alagille syndrome due to a JAG1 point mutation. Last evaluated: 2026-01-05. Review status: criteria provided, single submitter. Criteria: Invitae Variant Classification Sherloc (09022015). Collection method: clinical testing. Allele origin: germline.

CeGaT Center for Human Genetics Tuebingen
Classification: Likely benign. Last evaluated: 2025-09-01. Review status: criteria provided, single submitter. Criteria: CeGaT Center For Human Genetics Tuebingen Variant Classification Criteria Version 2. Collection method: clinical testing. Allele origin: germline. Affected: yes. Observed: 2 variant alleles.
Comment: JAG1: BS2

Blueprint Genetics
Classification: Likely benign. Last evaluated: 2024-11-13. Review status: criteria provided, single submitter. Criteria: ACMG Guidelines, 2015. Collection method: clinical testing. Allele origin: germline.

Eurofins Ntd Llc (ga)
Classification: Uncertain significance. Last evaluated: 2018-03-22. Review status: criteria provided, single submitter. Criteria: EGL ClinVar v180209 classification definitions. Collection method: clinical testing. Allele origin: germline. Observed: 3 variant alleles, 3 heterozygotes.

Illumina Laboratory Services, Illumina
Classification: Benign for Isolated Nonsyndromic Congenital Heart Disease. Last evaluated: 2018-01-13. Review status: criteria provided, single submitter. Criteria: ICSL Variant Classification Criteria 13 December 2019. Collection method: clinical testing. Allele origin: germline.
Comment: This variant was observed in the ICSL laboratory as part of a predisposition screen in an ostensibly healthy population. It had not been previously curated by ICSL or reported in the Human Gene Mutation Database (HGMD: prior to June 1st, 2018), and was therefore a candidate for classification through an automated scoring system. Utilizing variant allele frequency, disease prevalence and penetrance estimates, and inheritance mode, an automated score was calculated to assess if this variant is too frequent to cause the disease. Based on the score and internal cut-off values, a variant classified as benign is not then subjected to further curation. The score for this variant resulted in a classification of benign for this disease.

GeneDx
Classification: Uncertain significance. Last evaluated: 2017-05-03. Review status: criteria provided, single submitter. Criteria: GeneDx Variant Classification (06012015). Collection method: clinical testing. Allele origin: germline. Affected: yes.
Comment: The N1110T variant in the JAG1 gene has not been reported previously as a pathogenic variant, nor as a benign variant, to our knowledge. This variant is not observed at a significant frequency in large population cohorts (Lek et al., 2016; 1000 Genomes Consortium et al., 2015; Exome Variant Server). The N1110T variant is a conservative amino acid substitution, which is not likely to impact secondary protein structure as these residues share similar properties. This substitution occurs at a position where amino acids with similar properties to Asparagine are tolerated across species. In silico analysis is inconsistent in its predictions as to whether or not the variant is damaging to the protein structure/function. Based on currently available evidence, we interpret N1110T as a variant of uncertain significance.

Ambry Genetics
Classification: Uncertain significance for Cardiovascular phenotype. Last evaluated: 2016-11-25. Review status: criteria provided, single submitter. Criteria: Ambry Variant Classification Scheme 2023. Collection method: clinical testing. Allele origin: germline.
Comment: The p.N1110T variant (also known as c.3329A>C), located in coding exon 26 of the JAG1 gene, results from an A to C substitution at nucleotide position 3329. The asparagine at codon 1110 is replaced by threonine, an amino acid with similar properties. This variant was previously reported in the SNPDatabase as rs150811951. Based on data from ExAC, the C allele has an overall frequency of approximately 0.012% (13/106164) total alleles studied. The highest observed frequency was 0.033% (3/9062) of African alleles. This amino acid position is well conserved in available vertebrate species. In addition, the in silico prediction for this alteration is inconclusive. Since supporting evidence is limited at this time, the clinical significance of this alteration remains unclear.